The following is an entry in ClinVar:

NM_133433.4(NIPBL):c.6756T>C (p.Asp2252=)

Gene: NIPBL (NIPBL cohesin loading factor; plus strand). Cytogenetic location: 5p13.2.
Variant type: single nucleotide variant.
Coding change: c.6756T>C on transcript NM_133433.4 (MANE Select); coding-DNA position 6756, T replaced by C.
Protein change: p.Asp2252=; no amino-acid change (aspartic acid 2252 retained).
Molecular consequence: synonymous variant.
Genome position (GRCh38, 1-based): chr5:37,048,668, T>C. VCF-style: chr5-37048668-T-C. GRCh37 (hg19) VCF-style: chr5-37048770-T-C.
Other names: c.6756T>C, p.Asp2252= (NM_001438586.1, NM_015384.5).
Identifiers: ClinVar variation 4999194 (VCV004999194.1).

ClinVar aggregate classification (germline): Likely benign (1 of 4 stars; one submission).

Conditions:
NIPBL-related disorder. Also called: NIPBL-related condition.

Submission:

PreventionGenetics, part of Exact Sciences
Classification: Likely benign for NIPBL-related condition. Last evaluated: 2025-04-16. Review status: criteria provided, single submitter. Criteria: ACMG Guidelines, 2015. Collection method: clinical testing. Allele origin: germline.
Comment: This variant is classified as likely benign based on ACMG/AMP sequence variant interpretation guidelines (Richards et al. 2015 PMID: 25741868, with internal and published modifications).